The following is an entry in ClinVar:

NM_024422.6(DSC2):c.846C>G (p.Tyr282Ter)

Gene: DSC2 (desmocollin 2; minus strand). Cytogenetic location: 18q12.1.
Variant type: single nucleotide variant.
Coding change: c.846C>G on transcript NM_024422.6 (MANE Select); coding-DNA position 846, C replaced by G.
Protein change: p.Tyr282Ter; replaces tyrosine 282 with a stop codon.
Molecular consequence: nonsense.
Genome position (GRCh38, 1-based): chr18:31,086,672, G>C on the plus strand (C>G on the coding strand, the complement: DSC2 is on the minus strand). VCF-style: chr18-31086672-G-C. GRCh37 (hg19) VCF-style: chr18-28666635-G-C.
Other names: p.Y282*:TAC>TAG; c.846C>G, p.Tyr282Ter (NM_004949.5); short protein forms Y282*.
Identifiers: ClinVar variation 46199 (VCV000046199.19), dbSNP rs397517406, ClinGen allele CA022947.

ClinVar aggregate classification (germline): Conflicting classifications of pathogenicity. Review status: criteria provided, conflicting classifications (1 of 4 stars). 4 submissions from 4 submitters: Pathogenic (1); Likely pathogenic (2); Uncertain significance (1). Last evaluated 2025-06-03.

Conditions:
Arrhythmogenic right ventricular dysplasia 11. Also called: ARRHYTHMOGENIC RIGHT VENTRICULAR DYSPLASIA, FAMILIAL, 11; Arrhythmogenic right ventricular dysplasia 11 with mild palmoplantar keratoderma and woolly hair; Arrhythmogenic Right Ventricular Dysplasia/Cardiomyopathy11. Identifiers: MedGen C1864850, MONDO:0012506, OMIM 610476.

gnomAD v4.1: 2 of 1,614,072 alleles (0.00012%); highest among the groups gnomAD compares: Non-Finnish European, 0.00017%; no homozygotes.

Submissions (4):

GeneDx
Classification: Likely pathogenic. Last evaluated: 2025-06-03. Review status: criteria provided, single submitter. Criteria: GeneDx Variant Classification Process June 2021. Collection method: clinical testing. Allele origin: germline. Affected: yes.
Comment: Nonsense variant predicted to result in protein truncation or nonsense mediated decay in a gene for which loss of function is a known mechanism of disease; Identified via whole exome sequencing in one individual without a known diagnosis of ARVC in the published literature, but additional clinical information was not provided (PMID: 31638835); Not observed at significant frequency in large population cohorts (gnomAD); This variant is associated with the following publications: (PMID: 31402444, 28471438, 31638835)

Labcorp Genetics (formerly Invitae), Labcorp
Classification: Pathogenic for Arrhythmogenic right ventricular dysplasia 11. Last evaluated: 2024-05-04. Review status: criteria provided, single submitter. Criteria: Invitae Variant Classification Sherloc (09022015). Collection method: clinical testing. Allele origin: germline.
Comment: This sequence change creates a premature translational stop signal (p.Tyr282*) in the DSC2 gene. It is expected to result in an absent or disrupted protein product. Loss-of-function variants in DSC2 are known to be pathogenic (PMID: 23911551). This variant is not present in population databases (gnomAD no frequency). This variant has not been reported in the literature in individuals affected with DSC2-related conditions. ClinVar contains an entry for this variant (Variation ID: 46199). For these reasons, this variant has been classified as Pathogenic.

Fulgent Genetics
Classification: Likely pathogenic for Arrhythmogenic right ventricular dysplasia 11. Last evaluated: 2021-11-04. Review status: criteria provided, single submitter. Criteria: ACMG Guidelines, 2015. Collection method: clinical testing. Allele origin: unknown.

Laboratory for Molecular Medicine, Mass General Brigham Personalized Medicine
Classification: Uncertain significance. Last evaluated: 2019-08-13. Review status: criteria provided, single submitter. Criteria: ACMG Guidelines, 2015. Collection method: clinical testing. Allele origin: germline.
Comment: The p.Tyr282X variant in DSC2 has been identified by our laboratory in 2 Caucasian siblings with ARVC and has also been reported in ClinVar (Variation ID 46199). It was absent from large population studies. This nonsense variant leads to a premature termination codon at position 282, which is predicted to lead to a truncated or absent protein. Truncating DSC2 variants have been reported in individuals with ARVC and DCM (Elliot 2010, Garcia-Pavia 2011), but overall their contribution to disease has not been well characterized. Therefore, while there is some suspicion for a pathogenic role, the clinical significance of the p.Tyr282X variant is uncertain.

Literature cited by the submitters: PubMed 23911551 (cited by Labcorp Genetics (formerly Invitae), Labcorp); PubMed 17186466 (cited by Laboratory for Molecular Medicine, Mass General Brigham Personalized Medicine).